The following is an entry in ClinVar:

ClinVar aggregate classification (germline): Likely benign. Review status: criteria provided, multiple submitters, no conflicts (2 of 4 stars). 2 submissions from 2 submitters: Likely benign (2). Last evaluated 2025-06-29.

Conditions:
Infantile-onset ascending hereditary spastic paralysis (IAHSP). Also called: Infantile-Onset Ascending Hereditary Spastic Paralysis (IAHSP); Autosomal Recessive Juvenile Amyotrophic Lateral Sclerosis. Identifiers: Orphanet 293168, MedGen C2931441, MONDO:0011797, OMIM 607225. Disease mechanism: loss of function.
ALS2-related disorder. Also called: ALS2-related condition; ALS2-related disorders; ALS2-Related Spectrum Disorders. Identifiers: MedGen CN169291.

Allele frequency attached by ClinVar (database versions not stated): gnomAD 0.00001.
gnomAD v4.1: 24 of 1,550,876 alleles (0.0015%); highest among the groups gnomAD compares: Middle Eastern, 0.017%; no homozygotes.

Submissions (2):

PreventionGenetics, part of Exact Sciences
Classification: Likely benign for ALS2-related condition. Last evaluated: 2025-06-29. Review status: criteria provided, single submitter. Criteria: ACMG Guidelines, 2015. Collection method: clinical testing. Allele origin: germline.
Comment: This variant is classified as likely benign based on ACMG/AMP sequence variant interpretation guidelines (Richards et al. 2015 PMID: 25741868, with internal and published modifications).

Labcorp Genetics (formerly Invitae), Labcorp
Classification: Likely benign for Infantile-onset ascending hereditary spastic paralysis. Last evaluated: 2020-06-08. Review status: criteria provided, single submitter. Criteria: Invitae Variant Classification Sherloc (09022015). Collection method: clinical testing. Allele origin: germline.

NM_020919.4(ALS2):c.2912+9G>A

Gene: ALS2 (alsin Rho guanine nucleotide exchange factor ALS2; minus strand). Cytogenetic location: 2q33.1.
Variant type: single nucleotide variant.
Coding change: c.2912+9G>A on transcript NM_020919.4 (MANE Select); 9 bases into the intron after coding-DNA position 2912, G replaced by A.
Molecular consequence: intron variant.
Genome position (GRCh38, 1-based): chr2:201,727,696, C>T on the plus strand (G>A on the coding strand, the complement: ALS2 is on the minus strand). VCF-style: chr2-201727696-C-T. GRCh37 (hg19) VCF-style: chr2-202592419-C-T.
Other names: c.2912+9G>A (NM_020919.3).
Identifiers: ClinVar variation 1134968 (VCV001134968.10), dbSNP rs543664811, ClinGen allele CA2058051.